The following is an entry in ClinVar:

ClinVar aggregate classification (germline): Conflicting classifications of pathogenicity. Review status: criteria provided, conflicting classifications (1 of 4 stars). 3 submissions from 3 submitters: Uncertain significance (1); Likely benign (1). 1 of the submissions does not count toward it. Last evaluated 2025-05-15.

Conditions:
TRIP11-related disorder. Also called: TRIP11-Related Disorders; TRIP11-related condition.
Achondrogenesis, type IA (ACG1A). Identifiers: Orphanet 932, Orphanet 93299, MedGen C0265273, MONDO:0008701, OMIM 200600.

Allele frequency attached by ClinVar (database versions not stated): gnomAD 0.00004 and 0.00007; TOPMed 0.00006; ESP Exome Variant Server 0.00008; gnomAD exomes 0.00010; ExAC 0.00013.
gnomAD v4.1: 99 of 1,614,160 alleles (0.0061%); highest among the groups gnomAD compares: East Asian, 0.13%; 1 homozygote.

Submissions (3):

Labcorp Genetics (formerly Invitae), Labcorp
Classification: Likely benign for Achondrogenesis, type IA. Last evaluated: 2025-05-15. Review status: criteria provided, single submitter. Criteria: Invitae Variant Classification Sherloc (09022015). Collection method: clinical testing. Allele origin: germline.

Illumina Laboratory Services, Illumina
Classification: Uncertain significance for Achondrogenesis, type IA. Last evaluated: 2018-01-12. Review status: criteria provided, single submitter. Criteria: ICSL Variant Classification Criteria 13 December 2019. Collection method: clinical testing. Allele origin: germline.

PreventionGenetics, part of Exact Sciences
Classification: Likely benign for TRIP11-related condition. Last evaluated: 2019-02-28. Review status: no assertion criteria provided. Collection method: clinical testing. Allele origin: germline. Not counted in ClinVar's aggregate classification.
Comment: This variant is classified as likely benign based on ACMG/AMP sequence variant interpretation guidelines (Richards et al. 2015 PMID: 25741868, with internal and published modifications).

NM_004239.4(TRIP11):c.438C>T (p.Phe146=)

Gene: TRIP11 (thyroid hormone receptor interactor 11; minus strand). Cytogenetic location: 14q32.12.
Variant type: single nucleotide variant.
Coding change: c.438C>T on transcript NM_004239.4 (MANE Select); coding-DNA position 438, C replaced by T.
Protein change: p.Phe146=; no amino-acid change (phenylalanine 146 retained).
Molecular consequence: synonymous variant.
Genome position (GRCh38, 1-based): chr14:92,021,706, G>A on the plus strand (C>T on the coding strand, the complement: TRIP11 is on the minus strand). VCF-style: chr14-92021706-G-A. GRCh37 (hg19) VCF-style: chr14-92488050-G-A.
Other names: c.435C>T, p.Phe145= (NM_001321851.1).
Identifiers: ClinVar variation 314975 (VCV000314975.11), dbSNP rs371786500, ClinGen allele CA7314188.
Genomic context (GRCh38, chr14:92,021,706, plus strand): 5'-ATCACCAAAGTCCATGTCATCGTCATGGAAAGCTGAAGGATGATGACTAATCCCATAAGC[G>A]AATGAAGATGATGCAGTGGTTGCTGGTACACCAGCTCCTGAAGGTACTGACTGAGCAGCT-3'
Protein context (NP_004230.2, residues 136-156): GVPATTASSS[Phe146=]AYGISHHPSA